The following is an entry in ClinVar:

NM_004329.3(BMPR1A):c.1520A>C (p.Asn507Thr)

Gene: BMPR1A (bone morphogenetic protein receptor type 1A; plus strand). Cytogenetic location: 10q23.2.
Variant type: single nucleotide variant.
Coding change: c.1520A>C on transcript NM_004329.3 (MANE Select); coding-DNA position 1520, A replaced by C.
Protein change: p.Asn507Thr; replaces asparagine 507 with threonine.
Molecular consequence: missense variant. On other transcripts: non-coding transcript variant (3).
Genome position (GRCh38, 1-based): chr10:86,923,640, A>C. VCF-style: chr10-86923640-A-C. GRCh37 (hg19) VCF-style: chr10-88683397-A-C.
Other names: c.1520A>C, p.Asn507Thr (NM_001406577.1, NM_001406578.1, NM_001406579.1 and 19 more transcripts); c.1514A>C, p.Asn505Thr (NM_001406583.1); c.1436A>C, p.Asn479Thr (NM_001406584.1, NM_001406585.1, NM_001406586.1 and 2 more transcripts); c.1595A>C, p.Asn532Thr (NM_001406559.1); c.1568A>C, p.Asn523Thr (NM_001406560.1); c.1178A>C, p.Asn393Thr (NM_001406589.1); short protein forms N479T, N507T, N523T, N505T, N393T, N532T.
Identifiers: ClinVar variation 5033046 (VCV005033046.1).
Genomic context (GRCh38, chr10:86,923,640, plus strand): 5'-TCTTTACTTTTCAGTGTCTACGAGCAGTTTTGAAGCTAATGTCAGAATGCTGGGCCCACA[A>C]TCCAGCCTCCAGACTCACAGCATTGAGAATTAAGAAGACGCTTGCCAAGATGGTTGAATC-3'
Protein context (NP_004320.2, residues 497-517): LKLMSECWAH[Asn507Thr]PASRLTALRI

ClinVar aggregate classification (germline): Uncertain significance (1 of 4 stars; one submission).

Conditions:
Hereditary cancer-predisposing syndrome. Also called: Neoplastic Syndromes, Hereditary; Tumor predisposition; Hereditary neoplastic syndrome; Hereditary Cancer Syndrome. Identifiers: Orphanet 140162, MedGen C0027672, MeSH D009386, MONDO:0015356.

Submission:

Ambry Genetics
Classification: Uncertain significance for Hereditary cancer-predisposing syndrome. Last evaluated: 2026-08-22. Review status: criteria provided, single submitter. Criteria: Ambry Variant Classification Scheme 2023. Collection method: clinical testing. Allele origin: germline.
Comment: The p.N507T variant (also known as c.1520A>C), located in coding exon 11 of the BMPR1A gene, results from an A to C substitution at nucleotide position 1520. The asparagine at codon 507 is replaced by threonine, an amino acid with similar properties. This amino acid position is conserved. In addition, the in silico prediction for this alteration is inconclusive. Based on the available evidence, the clinical significance of this variant remains unclear.